The following is an entry in ClinVar:

ClinVar aggregate classification (germline): Uncertain significance (1 of 4 stars; one submission).

Conditions:
Congenital contractural arachnodactyly (CCA). Also called: BEALS SYNDROME; Arthrogryposis, distal, type 9; Beals-Hecht syndrome. Identifiers: Orphanet 115, MedGen C0220668, MONDO:0007363, OMIM 121050.

Submission:

Labcorp Genetics (formerly Invitae), Labcorp
Classification: Uncertain significance for Congenital contractural arachnodactyly. Last evaluated: 2022-03-11. Review status: criteria provided, single submitter. Criteria: Invitae Variant Classification Sherloc (09022015). Collection method: clinical testing. Allele origin: germline.
Comment: In summary, the available evidence is currently insufficient to determine the role of this variant in disease. Therefore, it has been classified as a Variant of Uncertain Significance. This variant has not been reported in the literature in individuals affected with FBN2-related conditions. This variant results in the deletion of part of exon 20 (c.2582_2674+3109del) of the FBN2 gene. It is expected to disrupt RNA splicing. Variants that disrupt the donor or acceptor splice site typically lead to a loss of protein function (PMID: 16199547), however the current clinical and genetic evidence is not sufficient to establish whether loss-of-function variants in FBN2 cause disease.

Literature cited by the submitters: PubMed 16199547.

NC_000005.9:g.(?_127689859)_(127693060_?)del

Gene: FBN2 (fibrillin 2; minus strand). Cytogenetic location: 5q23.3.
Variant type: Deletion.
Identifiers: ClinVar variation 2424341 (VCV002424341.6).